The following is an entry in ClinVar:

NM_017827.4(SARS2):c.858C>G (p.Ile286Met)

Gene: SARS2 (seryl-tRNA synthetase 2, mitochondrial; minus strand). Cytogenetic location: 19q13.2.
Variant type: single nucleotide variant.
Coding change: c.858C>G on transcript NM_017827.4 (MANE Select); coding-DNA position 858, C replaced by G.
Protein change: p.Ile286Met; replaces isoleucine 286 with methionine.
Molecular consequence: missense variant.
Genome position (GRCh38, 1-based): chr19:38,918,480, G>C on the plus strand (C>G on the coding strand, the complement: SARS2 is on the minus strand). VCF-style: chr19-38918480-G-C. GRCh37 (hg19) VCF-style: chr19-39409120-G-C.
Other names: c.864C>G, p.Ile288Met (NM_001145901.2); short protein forms I286M, I288M.
Identifiers: ClinVar variation 2075925 (VCV002075925.4), dbSNP rs144697966, ClinGen allele CA9422989.

ClinVar aggregate classification (germline): Uncertain significance. Review status: criteria provided, multiple submitters, no conflicts (2 of 4 stars). 3 submissions from 3 submitters: Uncertain significance (3). Last evaluated 2026-02-03.

Conditions:
Hyperuricemia, pulmonary hypertension, renal failure, alkalosis syndrome (HUPRAS). Also called: HUPRA SYNDROME; HYPERURICEMIA, PULMONARY HYPERTENSION, RENAL FAILURE, AND ALKALOSIS SYNDROME. Identifiers: Orphanet 363694, MedGen C3151209, MONDO:0013458, OMIM 613845.

Allele frequency attached by ClinVar (database versions not stated): ESP Exome Variant Server 0.00008.
gnomAD v4.1: 520 of 1,614,084 alleles (0.032%); highest among the groups gnomAD compares: Non-Finnish European, 0.04%; no homozygotes.

Submissions (3):

Labcorp Genetics (formerly Invitae), Labcorp
Classification: Uncertain significance. Last evaluated: 2026-02-03. Review status: criteria provided, single submitter. Criteria: Invitae Variant Classification Sherloc (09022015). Collection method: clinical testing. Allele origin: germline.
Comment: This sequence change replaces isoleucine, which is neutral and non-polar, with methionine, which is neutral and non-polar, at codon 286 of the SARS2 protein (p.Ile286Met). This variant is present in population databases (rs144697966, gnomAD 0.03%). This variant has not been reported in the literature in individuals affected with SARS2-related conditions. ClinVar contains an entry for this variant (Variation ID: 2075925). An algorithm developed to predict the effect of missense changes on protein structure and function (PolyPhen-2) suggests that this variant is likely to be disruptive. In summary, the available evidence is currently insufficient to determine the role of this variant in disease. Therefore, it has been classified as a Variant of Uncertain Significance.

Fulgent Genetics
Classification: Uncertain significance for Hyperuricemia, pulmonary hypertension, renal failure, alkalosis syndrome. Last evaluated: 2024-06-20. Review status: criteria provided, single submitter. Criteria: ACMG Guidelines, 2015. Collection method: clinical testing. Allele origin: germline.

Ambry Genetics
Classification: Uncertain significance. Last evaluated: 2021-09-30. Review status: criteria provided, single submitter. Criteria: Ambry Variant Classification Scheme 2023. Collection method: clinical testing. Allele origin: germline.